The following is an entry in ClinVar:

ClinVar aggregate classification (germline): Benign. Review status: criteria provided, multiple submitters, no conflicts (2 of 4 stars). 2 submissions from 2 submitters: Benign (2). Last evaluated 2018-01-13.

Conditions:
Pseudohypoaldosteronism type 2C (PHA2C). Also called: Pseudohypoaldosteronism Type IIC. Identifiers: Orphanet 757, Orphanet 88940, MedGen C1840391, MONDO:0013778, OMIM 614492.

Allele frequency attached by ClinVar (database versions not stated): 1000 Genomes Project 30x 0.01671; TOPMed 0.01902; gnomAD 0.01082 and 0.01097; 1000 Genomes Project 0.01577.
gnomAD v4.1: 3,984 of 657,046 alleles (0.61%); highest among the groups gnomAD compares: Admixed American, 11%; 244 homozygotes.

Submissions (2):

Illumina Laboratory Services, Illumina
Classification: Benign for Pseudohypoaldosteronism type 2C. Last evaluated: 2018-01-13. Review status: criteria provided, single submitter. Criteria: ICSL Variant Classification Criteria 13 December 2019. Collection method: clinical testing. Allele origin: germline.
Comment: This variant was observed in the ICSL laboratory as part of a predisposition screen in an ostensibly healthy population. It had not been previously curated by ICSL or reported in the Human Gene Mutation Database (HGMD: prior to June 1st, 2018), and was therefore a candidate for classification through an automated scoring system. Utilizing variant allele frequency, disease prevalence and penetrance estimates, and inheritance mode, an automated score was calculated to assess if this variant is too frequent to cause the disease. Based on the score and internal cut-off values, a variant classified as benign is not then subjected to further curation. The score for this variant resulted in a classification of benign for this disease.

Breakthrough Genomics
Classification: Benign. Review status: criteria provided, single submitter. Criteria: ACMG Guidelines, 2015. Collection method: not provided. Allele origin: germline. Inheritance: Autosomal recessive inheritance. Affected: yes.

NM_018979.4(WNK1):c.-203C>G

Gene: WNK1 (WNK lysine deficient protein kinase 1; plus strand). Cytogenetic location: 12p13.33.
Variant type: single nucleotide variant.
Coding change: c.-203C>G on transcript NM_018979.4 (MANE Select); 203 bases upstream of the start codon, C replaced by G.
Molecular consequence: 5 prime UTR variant.
Genome position (GRCh38, 1-based): chr12:753,363, C>G. VCF-style: chr12-753363-C-G. GRCh37 (hg19) VCF-style: chr12-862529-C-G.
Other names: c.-203C>G (NM_001184985.2, NM_014823.3, NM_213655.5).
Identifiers: ClinVar variation 310530 (VCV000310530.6), dbSNP rs72647363, ClinGen allele CA10638576.